The following is an entry in ClinVar:

ClinVar aggregate classification (germline): Likely benign. Review status: criteria provided, multiple submitters, no conflicts (2 of 4 stars). 2 submissions from 2 submitters: Likely benign (2). Last evaluated 2026-03-01.

Conditions:
Fanconi anemia (FA). Also called: Fanconi's anemia. Identifiers: Orphanet 84, MedGen C0015625, MeSH D005199, MONDO:0019391.

Allele frequency attached by ClinVar (database versions not stated): ExAC 0.00001; gnomAD 0.00001; gnomAD exomes 0.00001 and 0.00003; TOPMed 0.00001.
gnomAD v4.1: 8 of 1,613,938 alleles (0.0005%); highest among the groups gnomAD compares: Admixed American, 0.013%; no homozygotes.

Submissions (2):

CeGaT Center for Human Genetics Tuebingen
Classification: Likely benign. Last evaluated: 2026-03-01. Review status: criteria provided, single submitter. Criteria: CeGaT Center For Human Genetics Tuebingen Variant Classification Criteria Version 2. Collection method: clinical testing. Allele origin: germline. Affected: yes. Observed: 1 variant allele.
Comment: SLX4: BP4, BP7

Labcorp Genetics (formerly Invitae), Labcorp
Classification: Likely benign for Fanconi anemia. Last evaluated: 2023-10-03. Review status: criteria provided, single submitter. Criteria: Invitae Variant Classification Sherloc (09022015). Collection method: clinical testing. Allele origin: germline.

NM_032444.4(SLX4):c.2850G>A (p.Glu950=)

Gene: SLX4 (SLX4 structure-specific endonuclease subunit; minus strand). Cytogenetic location: 16p13.3.
Variant type: single nucleotide variant.
Coding change: c.2850G>A on transcript NM_032444.4 (MANE Select); coding-DNA position 2850, G replaced by A.
Protein change: p.Glu950=; no amino-acid change (glutamic acid 950 retained).
Molecular consequence: synonymous variant.
Genome position (GRCh38, 1-based): chr16:3,590,788, C>T on the plus strand (G>A on the coding strand, the complement: SLX4 is on the minus strand). VCF-style: chr16-3590788-C-T. GRCh37 (hg19) VCF-style: chr16-3640789-C-T.
Other names: c.2850G>A (LRG_503t1).
Identifiers: ClinVar variation 456303 (VCV000456303.10), dbSNP rs751882942, ClinGen allele CA7866054.